The following is an entry in ClinVar:

ClinVar aggregate classification (germline): Uncertain significance (1 of 4 stars; one submission).

Conditions:
Idiopathic generalized epilepsy. Also called: EIG; Generalised epilepsy. Identifiers: MedGen C0270850, MONDO:0005579, OMIM 600669.
Epilepsy, childhood absence 4 (ECA4). Also called: EPILEPSY, CHILDHOOD ABSENCE, SUSCEPTIBILITY TO, 4. Identifiers: Orphanet 307, MedGen C1970160.
Epilepsy, idiopathic generalized, susceptibility to, 13. Also called: EPILEPSY, JUVENILE MYOCLONIC, SUSCEPTIBILITY TO, 5. Identifiers: Orphanet 307, Orphanet 64280, MedGen C4013473, MONDO:0012627, OMIM 611136.

gnomAD v4.1: 1 of 1,614,016 alleles (0.000062%); no homozygotes.

Submission:

Labcorp Genetics (formerly Invitae), Labcorp
Classification: Uncertain significance for Epilepsy, childhood absence 4; Epilepsy, idiopathic generalized, susceptibility to, 13; Idiopathic generalized epilepsy. Last evaluated: 2023-03-18. Review status: criteria provided, single submitter. Criteria: Invitae Variant Classification Sherloc (09022015). Collection method: clinical testing. Allele origin: germline.
Comment: In summary, the available evidence is currently insufficient to determine the role of this variant in disease. Therefore, it has been classified as a Variant of Uncertain Significance. Advanced modeling of protein sequence and biophysical properties (such as structural, functional, and spatial information, amino acid conservation, physicochemical variation, residue mobility, and thermodynamic stability) performed at Invitae indicates that this missense variant is not expected to disrupt GABRA1 protein function. This variant has not been reported in the literature in individuals affected with GABRA1-related conditions. This variant is not present in population databases (gnomAD no frequency). This sequence change replaces proline, which is neutral and non-polar, with threonine, which is neutral and polar, at codon 360 of the GABRA1 protein (p.Pro360Thr).

NM_001127644.2(GABRA1):c.1078C>A (p.Pro360Thr)

Gene: GABRA1 (gamma-aminobutyric acid type A receptor subunit alpha1; plus strand). Cytogenetic location: 5q34.
Variant type: single nucleotide variant.
Coding change: c.1078C>A on transcript NM_001127644.2 (MANE Select); coding-DNA position 1078, C replaced by A.
Protein change: p.Pro360Thr; replaces proline 360 with threonine.
Molecular consequence: missense variant.
Genome position (GRCh38, 1-based): chr5:161,897,129, C>A. VCF-style: chr5-161897129-C-A. GRCh37 (hg19) VCF-style: chr5-161324135-C-A.
Other names: c.1078C>A, p.Pro360Thr (NM_000806.5, NM_001127643.2, NM_001127645.2 and 1 more transcripts); short protein forms P360T.
Identifiers: ClinVar variation 2935607 (VCV002935607.3), dbSNP rs771498937, ClinGen allele CA362180599.